The following is an entry in ClinVar:

ClinVar aggregate classification (germline): Pathogenic (1 of 4 stars; one submission).

Conditions:
Arrhythmogenic cardiomyopathy with wooly hair and keratoderma. Also called: Carvajal syndrome; PALMOPLANTAR KERATODERMA WITH LEFT VENTRICULAR CARDIOMYOPATHY AND WOOLLY HAIR; Dilated cardiomyopathy with woolly hair and keratoderma; Arrhythmogenic cardiomyopathy with woolly hair and keratoderma. Identifiers: Orphanet 65282, MedGen C1854063, MONDO:0011581, OMIM 605676.
Arrhythmogenic right ventricular dysplasia 8 (ARVD8). Also called: Arrhythmogenic Right Ventricular Dysplasia/Cardiomyopathy 8; ARRHYTHMOGENIC RIGHT VENTRICULAR DYSPLASIA, FAMILIAL, 8; ARRHYTHMOGENIC RIGHT VENTRICULAR CARDIOMYOPATHY 8. Identifiers: MedGen C1843896, MONDO:0011831, OMIM 607450.

Submission:

Labcorp Genetics (formerly Invitae), Labcorp
Classification: Pathogenic for Arrhythmogenic cardiomyopathy with wooly hair and keratoderma; Arrhythmogenic right ventricular dysplasia 8. Last evaluated: 2026-01-11. Review status: criteria provided, single submitter. Criteria: Invitae Variant Classification Sherloc (09022015). Collection method: clinical testing. Allele origin: germline.
Comment: This sequence change creates a premature translational stop signal (p.Asn488Thrfs*8) in the DSP gene. It is expected to result in an absent or disrupted protein product. Loss-of-function variants in DSP are known to be pathogenic (PMID: 20716751, 24503780, 25227139, 30398466). This variant is not present in population databases (gnomAD no frequency). This variant has not been reported in the literature in individuals affected with DSP-related conditions. For these reasons, this variant has been classified as Pathogenic.

Literature cited by the submitters: PubMed 20716751; PubMed 24503780; PubMed 25227139; PubMed 30398466.

NM_004415.4(DSP):c.1463del (p.Asn488fs)

Gene: DSP (desmoplakin; plus strand). Cytogenetic location: 6p24.3.
Variant type: Deletion.
Coding change: c.1463del on transcript NM_004415.4 (MANE Select); coding-DNA position 1463, one base deleted (A; older notation c.1463delA).
Protein change: p.Asn488fs; shifts the reading frame from asparagine 488.
Molecular consequence: frameshift variant.
Genome position (GRCh38, 1-based): chr6:7,569,229, A deleted; the last of 2 consecutive A bases (chr6:7,569,228-7,569,229); deleting either gives the same sequence. VCF-style (leftmost placement, unchanged base first): chr6-7569227-CA-C. GRCh37 (hg19) VCF-style: chr6-7569460-CA-C.
Other names: c.1463del, p.Asn488fs (NM_001008844.3, NM_001319034.2); short protein forms N488fs.
Identifiers: ClinVar variation 4786760 (VCV004786760.1).